The following is an entry in ClinVar:

NM_032444.4(SLX4):c.1094A>G (p.Gln365Arg)

Gene: SLX4 (SLX4 structure-specific endonuclease subunit; minus strand). Cytogenetic location: 16p13.3.
Variant type: single nucleotide variant.
Coding change: c.1094A>G on transcript NM_032444.4 (MANE Select); coding-DNA position 1094, A replaced by G.
Protein change: p.Gln365Arg; replaces glutamine 365 with arginine.
Molecular consequence: missense variant.
Genome position (GRCh38, 1-based): chr16:3,601,048, T>C on the plus strand (A>G on the coding strand, the complement: SLX4 is on the minus strand). VCF-style: chr16-3601048-T-C. GRCh37 (hg19) VCF-style: chr16-3651049-T-C.
Other names: short protein forms Q365R.
Identifiers: ClinVar variation 956231 (VCV000956231.9), dbSNP rs1243083910, ClinGen allele CA394531512.

ClinVar aggregate classification (germline): Uncertain significance (1 of 4 stars; one submission).

Conditions:
Fanconi anemia (FA). Also called: Fanconi's anemia. Identifiers: Orphanet 84, MedGen C0015625, MeSH D005199, MONDO:0019391.

Allele frequency attached by ClinVar (database versions not stated): TOPMed below 0.00001.

Submission:

Labcorp Genetics (formerly Invitae), Labcorp
Classification: Uncertain significance for Fanconi anemia. Last evaluated: 2019-10-28. Review status: criteria provided, single submitter. Criteria: Invitae Variant Classification Sherloc (09022015). Collection method: clinical testing. Allele origin: germline.
Comment: This variant has not been reported in the literature in individuals with SLX4-related conditions. In summary, the available evidence is currently insufficient to determine the role of this variant in disease. Therefore, it has been classified as a Variant of Uncertain Significance. Algorithms developed to predict the effect of missense changes on protein structure and function output the following: SIFT: "Tolerated"; PolyPhen-2: "Possibly Damaging"; Align-GVGD: "Class C0". The arginine amino acid residue is found in multiple mammalian species, suggesting that this missense change does not adversely affect protein function. These predictions have not been confirmed by published functional studies and their clinical significance is uncertain. This variant is not present in population databases (ExAC no frequency). This sequence change replaces glutamine with arginine at codon 365 of the SLX4 protein (p.Gln365Arg). The glutamine residue is weakly conserved and there is a small physicochemical difference between glutamine and arginine.